The following is an entry in ClinVar:

ClinVar aggregate classification (germline): Pathogenic (1 of 4 stars; one submission).

Conditions:
Duchenne muscular dystrophy (DMD). Also called: MUSCULAR DYSTROPHY, PSEUDOHYPERTROPHIC PROGRESSIVE, DUCHENNE TYPE; Duchenne Muscular Dystrophy (DMD). Identifiers: Orphanet 98896, MedGen C0013264, MONDO:0010679, OMIM 310200.

Submission:

Labcorp Genetics (formerly Invitae), Labcorp
Classification: Pathogenic for Duchenne muscular dystrophy. Last evaluated: 2016-12-13. Review status: criteria provided, single submitter. Criteria: Invitae Variant Classification Sherloc (09022015). Collection method: clinical testing. Allele origin: germline.
Comment: This variant is a gross deletion of the genomic region encompassing exons 50-52 of the DMD gene. This creates a premature translational stop signal and is expected to result in an absent or disrupted protein product. Loss-of-function variants in DMD are known to be pathogenic. This particular variant has been reported in the literature in several individuals affected with Duchenne Muscular Dystrophy (PMID: 23914114, 18752307, 15723292, 18353051, 19461958). For these reasons, this variant has been classified as Pathogenic.

NC_000023.11:g.(?_31729631)_(31820083_?)del

Gene: DMD (dystrophin; minus strand). Cytogenetic location: Xp21.1.
Variant type: Deletion.
Identifiers: ClinVar variation 417482 (VCV000417482.1).